The following is an entry in ClinVar:

ClinVar aggregate classification (germline): Pathogenic (1 of 4 stars; one submission).

Submission:

Labcorp Genetics (formerly Invitae), Labcorp
Classification: Pathogenic. Last evaluated: 2025-11-25. Review status: criteria provided, single submitter. Criteria: Invitae Variant Classification Sherloc (09022015). Collection method: clinical testing. Allele origin: germline.
Comment: This sequence change creates a premature translational stop signal (p.Val436*) in the F11 gene. It is expected to result in an absent or disrupted protein product. Loss-of-function variants in F11 are known to be pathogenic (PMID: 23929304). This variant is not present in population databases (gnomAD no frequency). This variant has not been reported in the literature in individuals affected with F11-related conditions. Algorithms developed to predict the effect of sequence changes on RNA splicing suggest that this variant may disrupt the consensus splice site. For these reasons, this variant has been classified as Pathogenic.

Literature cited by the submitters: PubMed 23929304.

NC_000004.12:g.186285639del

Gene: F11 (coagulation factor XI; plus strand). Cytogenetic location: 4q35.2.
Variant type: Deletion.
Genome position: GRCh38 VCF-style: chr4-186285636-AG-A. GRCh37 (hg19) VCF-style: chr4-187206790-AG-A.
Identifiers: ClinVar variation 4731934 (VCV004731934.1).